The following is an entry in ClinVar:

ClinVar aggregate classification (germline): Likely benign (1 of 4 stars; one submission).

gnomAD v4.1: 155 of 1,612,100 alleles (0.0096%); highest among the groups gnomAD compares: Non-Finnish European, 0.012%; no homozygotes.

Submission:

CeGaT Center for Human Genetics Tuebingen
Classification: Likely benign. Last evaluated: 2025-05-01. Review status: criteria provided, single submitter. Criteria: CeGaT Center For Human Genetics Tuebingen Variant Classification Criteria Version 2. Collection method: clinical testing. Allele origin: germline. Affected: yes. Observed: 1 variant allele.
Comment: ASCC3: BP4, BP7

NM_006828.4(ASCC3):c.480G>A (p.Arg160=)

Gene: ASCC3 (activating signal cointegrator 1 complex subunit 3; minus strand). Cytogenetic location: 6q16.3.
Variant type: single nucleotide variant.
Coding change: c.480G>A on transcript NM_006828.4 (MANE Select); coding-DNA position 480, G replaced by A.
Protein change: p.Arg160=; no amino-acid change (arginine 160 retained).
Molecular consequence: synonymous variant.
Genome position (GRCh38, 1-based): chr6:100,848,469, C>T on the plus strand (G>A on the coding strand, the complement: ASCC3 is on the minus strand). VCF-style: chr6-100848469-C-T. GRCh37 (hg19) VCF-style: chr6-101296345-C-T.
Other names: c.480G>A, p.Arg160= (NM_001284271.2).
Identifiers: ClinVar variation 3905165 (VCV003905165.10).